The following is an entry in ClinVar:

NM_005245.4(FAT1):c.1212T>G (p.Ser404Arg)

Gene: FAT1 (FAT atypical cadherin 1; minus strand). Cytogenetic location: 4q35.2.
Variant type: single nucleotide variant.
Coding change: c.1212T>G on transcript NM_005245.4 (MANE Select); coding-DNA position 1212, T replaced by G.
Protein change: p.Ser404Arg; replaces serine 404 with arginine.
Molecular consequence: missense variant.
Genome position (GRCh38, 1-based): chr4:186,708,616, A>C on the plus strand (T>G on the coding strand, the complement: FAT1 is on the minus strand). VCF-style: chr4-186708616-A-C. GRCh37 (hg19) VCF-style: chr4-187629770-A-C.
Other names: p.Ser404Arg; short protein forms S404R.
Identifiers: ClinVar variation 1288791 (VCV001288791.12), dbSNP rs3733414, ClinGen allele CA3167507.
Genomic context (GRCh38, chr4:186,708,616, plus strand): 5'-TTCTAAAATAGAAATGAGACCAGTGTTGTAATTTAAACTGAATTTAGCTTTTCCAGGTGT[A>C]CTTTTAAAAACATACCTCAAATGGGAATAAGCAGGAATGGCCTTTACCATGACCACAGGT-3'
Protein context (NP_005236.2, residues 394-414): AYSHLRYVFK[Ser404Arg]TPGKAKFSLN

ClinVar aggregate classification (germline): Benign/Likely benign. Review status: criteria provided, multiple submitters, no conflicts (2 of 4 stars). 5 submissions from 5 submitters: Benign (4); Likely benign (1). Last evaluated 2026-02-04.

Allele frequency attached by ClinVar (database versions not stated): 1000 Genomes Project 0.39896; 1000 Genomes Project 30x 0.39959; TOPMed 0.49935; gnomAD 0.51627 and 0.51879; ESP Exome Variant Server 0.54316; ExAC 0.55758.
gnomAD v4.1: 972,767 of 1,613,644 alleles (60%); highest among the groups gnomAD compares: Non-Finnish European, 65%; 303,297 homozygotes.

Submissions (5):

Labcorp Genetics (formerly Invitae), Labcorp
Classification: Benign. Last evaluated: 2026-02-04. Review status: criteria provided, single submitter. Criteria: Invitae Variant Classification Sherloc (09022015). Collection method: clinical testing. Allele origin: germline.

Blueprint Genetics
Classification: Likely benign. Last evaluated: 2024-11-26. Review status: criteria provided, single submitter. Criteria: ACMG Guidelines, 2015. Collection method: clinical testing. Allele origin: germline.

Mayo Clinic Laboratories, Mayo Clinic
Classification: Benign. Last evaluated: 2022-11-15. Review status: criteria provided, single submitter. Criteria: ACMG Guidelines, 2015. Collection method: clinical testing. Allele origin: germline. Observed: 110 variant alleles.
Comment: BA1, BP4

GeneDx
Classification: Benign. Last evaluated: 2018-11-11. Review status: criteria provided, single submitter. Criteria: GeneDx Variant Classification Process June 2021. Collection method: clinical testing. Allele origin: germline. Affected: yes.
Comment: This variant is associated with the following publications: (PMID: 29748316)

Breakthrough Genomics
Classification: Benign. Review status: criteria provided, single submitter. Criteria: ACMG Guidelines, 2015. Collection method: not provided. Allele origin: germline. Inheritance: Unknown mechanism. Affected: yes.